The following is an entry in ClinVar:

ClinVar aggregate classification (germline): Uncertain significance. Review status: criteria provided, multiple submitters, no conflicts (2 of 4 stars). 3 submissions from 3 submitters: Uncertain significance (3). Last evaluated 2025-04-19.

Conditions:
Focal segmental glomerulosclerosis 6 (FSGS6). Identifiers: Orphanet 656, MedGen C3279905, MONDO:0013589, OMIM 614131.
Inborn genetic diseases. Identifiers: MedGen C0950123, MeSH D030342.

Allele frequency attached by ClinVar (database versions not stated): TOPMed 0.00003; gnomAD exomes 0.00004 and 0.00005; gnomAD 0.00005; ExAC 0.00007; ESP Exome Variant Server 0.00023.
gnomAD v4.1: 80 of 1,614,110 alleles (0.005%); highest among the groups gnomAD compares: Non-Finnish European, 0.0066%; no homozygotes.

Submissions (3):

Ambry Genetics
Classification: Uncertain significance for Inborn genetic diseases. Last evaluated: 2025-04-19. Review status: criteria provided, single submitter. Criteria: Ambry Variant Classification Scheme 2023. Collection method: clinical testing. Allele origin: germline.

Fulgent Genetics
Classification: Uncertain significance for Focal segmental glomerulosclerosis 6. Last evaluated: 2022-01-10. Review status: criteria provided, single submitter. Criteria: ACMG Guidelines, 2015. Collection method: clinical testing. Allele origin: unknown.

Labcorp Genetics (formerly Invitae), Labcorp
Classification: Uncertain significance. Last evaluated: 2021-01-09. Review status: criteria provided, single submitter. Criteria: Invitae Variant Classification Sherloc (09022015). Collection method: clinical testing. Allele origin: germline.
Comment: Algorithms developed to predict the effect of missense changes on protein structure and function are either unavailable or do not agree on the potential impact of this missense change (SIFT: "Deleterious"; PolyPhen-2: "Benign"; Align-GVGD: "Class C0"). In summary, the available evidence is currently insufficient to determine the role of this variant in disease. Therefore, it has been classified as a Variant of Uncertain Significance. This variant has not been reported in the literature in individuals with MYO1E-related conditions. This variant is present in population databases (rs376718983, ExAC 0.01%). This sequence change replaces valine with leucine at codon 824 of the MYO1E protein (p.Val824Leu). The valine residue is highly conserved and there is a small physicochemical difference between valine and leucine.

NM_004998.4(MYO1E):c.2470G>C (p.Val824Leu)

Gene: MYO1E (myosin IE; minus strand). Cytogenetic location: 15q22.2.
Variant type: single nucleotide variant.
Coding change: c.2470G>C on transcript NM_004998.4 (MANE Select); coding-DNA position 2470, G replaced by C.
Protein change: p.Val824Leu; replaces valine 824 with leucine.
Molecular consequence: missense variant.
Genome position (GRCh38, 1-based): chr15:59,171,907, C>G on the plus strand (G>C on the coding strand, the complement: MYO1E is on the minus strand). VCF-style: chr15-59171907-C-G. GRCh37 (hg19) VCF-style: chr15-59464106-C-G.
Other names: c.2470G>C (NM_004998.2); short protein forms V824L.
Identifiers: ClinVar variation 1000300 (VCV001000300.14), dbSNP rs376718983, ClinGen allele CA7589243.